The following is an entry in ClinVar:

NM_001710.6(CFB):c.221G>A (p.Arg74His)

Gene: CFB (complement factor B; plus strand). Cytogenetic location: 6p21.33.
Variant type: single nucleotide variant.
Coding change: c.221G>A on transcript NM_001710.6 (MANE Select); coding-DNA position 221, G replaced by A.
Protein change: p.Arg74His; replaces arginine 74 with histidine.
Molecular consequence: missense variant.
Genome position (GRCh38, 1-based): chr6:31,946,529, G>A. VCF-style: chr6-31946529-G-A. GRCh37 (hg19) VCF-style: chr6-31914306-G-A.
Other names: short protein forms R74H.
Identifiers: ClinVar variation 356268 (VCV000356268.17), dbSNP rs117314762, ClinGen allele CA3727968.
Genomic context (GRCh38, chr6:31,946,529, plus strand): 5'-AGGGCCAGGCACTGGAGTACGTGTGTCCTTCTGGCTTCTACCCGTACCCTGTGCAGACAC[G>A]TACCTGCAGATCTACGGGGTCCTGGAGCACCCTGAAGACTCAAGACCAAAAGACTGTCAG-3'
Protein context (NP_001701.2, residues 64-84): SGFYPYPVQT[Arg74His]TCRSTGSWST

ClinVar aggregate classification (germline): Conflicting classifications of pathogenicity. Review status: criteria provided, conflicting classifications (1 of 4 stars). 5 submissions from 5 submitters: Uncertain significance (1); Benign (2); Likely benign (2). Last evaluated 2025-09-26.

Conditions:
Atypical hemolytic-uremic syndrome. Identifiers: Orphanet 2134, MedGen C2931788, MONDO:0016244.
Atypical hemolytic-uremic syndrome with B factor anomaly. Also called: HEMOLYTIC UREMIC SYNDROME, ATYPICAL, SUSCEPTIBILITY TO, 4; AHUS, SUSCEPTIBILITY TO, 4. Identifiers: Orphanet 2134, MedGen C2752038, MONDO:0013042, OMIM 612924.

Allele frequency attached by ClinVar (database versions not stated): ESP Exome Variant Server 0.00012; gnomAD 0.00019 and 0.00025; gnomAD exomes 0.00039 and 0.00077; TOPMed 0.00049; ExAC 0.00086; 1000 Genomes Project 30x 0.00094; 1000 Genomes Project 0.00100.

Submissions (5):

Genomenon, Inc
Classification: Benign for Atypical hemolytic-uremic syndrome. Last evaluated: 2025-09-26. Review status: criteria provided, single submitter. Criteria: Genomenon Sequence Variant Interpretation Standards - Updated. Collection method: curation. Allele origin: germline. Affected: no.
Comment: CFB p.Arg74His (c.221G>A) is a missense variant that changes the amino acid at residue 74 from Arginine to Histidine. This variant is present at high allele frequency in population databases. In conclusion, we classify CFB p.Arg74His (c.221G>A) as a benign variant.

Labcorp Genetics (formerly Invitae), Labcorp
Classification: Benign. Last evaluated: 2025-09-04. Review status: criteria provided, single submitter. Criteria: Invitae Variant Classification Sherloc (09022015). Collection method: clinical testing. Allele origin: germline.

Blueprint Genetics
Classification: Likely benign. Last evaluated: 2023-12-18. Review status: criteria provided, single submitter. Criteria: ACMG Guidelines, 2015. Collection method: clinical testing. Allele origin: germline.

Genome Diagnostics Laboratory, The Hospital for Sick Children
Classification: Uncertain significance for Atypical hemolytic-uremic syndrome. Last evaluated: 2021-08-13. Review status: criteria provided, single submitter. Criteria: ACMG Guidelines, 2015. Collection method: clinical testing. Allele origin: germline.

Illumina Laboratory Services, Illumina
Classification: Likely benign for Atypical hemolytic-uremic syndrome with B factor anomaly. Last evaluated: 2017-04-27. Review status: criteria provided, single submitter. Criteria: ICSL Variant Classification Criteria 13 December 2019. Collection method: clinical testing. Allele origin: germline.
Comment: This variant was observed as part of a predisposition screen in an ostensibly healthy population. A literature search was performed for the gene, cDNA change, and amino acid change (where applicable). No publications were found based on this search. Allele frequency data from public databases allowed determination this variant is unlikely to cause disease. Therefore, this variant is classified as likely benign.